The following is an entry in ClinVar:

NM_174936.4(PCSK9):c.1476T>G (p.Ser492Arg)

Gene: PCSK9 (proprotein convertase subtilisin/kexin type 9; plus strand). Cytogenetic location: 1p32.3.
Variant type: single nucleotide variant.
Coding change: c.1476T>G on transcript NM_174936.4 (MANE Select); coding-DNA position 1476, T replaced by G.
Protein change: p.Ser492Arg; replaces serine 492 with arginine.
Molecular consequence: missense variant. On other transcripts: non-coding transcript variant (8), intron variant (1).
Genome position (GRCh38, 1-based): chr1:55,058,620, T>G. VCF-style: chr1-55058620-T-G. GRCh37 (hg19) VCF-style: chr1-55524293-T-G.
Other names: c.1302T>G, p.Ser434Arg (NM_001407244.1); c.1284T>G, p.Ser428Arg (NM_001407245.1); c.1101T>G, p.Ser367Arg (NM_001407246.1); c.1180+1106T>G (NM_001407247.1); c.1599T>G, p.Ser533Arg (NM_001407240.1); c.1476T>G, p.Ser492Arg (NM_001407241.1); c.1479T>G, p.Ser493Arg (NM_001407242.1); c.1419T>G, p.Ser473Arg (NM_001407243.1); short protein forms S428R, S367R, S434R, S533R, S473R, S492R, S493R.
Identifiers: ClinVar variation 4614716 (VCV004614716.1).
Genomic context (GRCh38, chr1:55,058,620, plus strand): 5'-AGCCGTCGCCCGCTGCGCCCCAGATGAGGAGCTGCTGAGCTGCTCCAGTTTCTCCAGGAG[T>G]GGGAAGCGGCGGGGCGAGCGCATGGAGGTGACTGTACCCCTCCTTCGTGTGTGTGTGTGT-3'
Protein context (NP_777596.2, residues 482-502): ELLSCSSFSR[Ser492Arg]GKRRGERMEA

ClinVar aggregate classification (germline): Uncertain significance (1 of 4 stars; one submission).

Conditions:
Cardiovascular phenotype. Identifiers: MedGen CN230736.

Submission:

Ambry Genetics
Classification: Uncertain significance for Cardiovascular phenotype. Last evaluated: 2025-10-23. Review status: criteria provided, single submitter. Criteria: Ambry Variant Classification Scheme 2023. Collection method: clinical testing. Allele origin: germline.
Comment: The p.S492R variant (also known as c.1476T>G), located in coding exon 9 of the PCSK9 gene, results from a T to G substitution at nucleotide position 1476. The serine at codon 492 is replaced by arginine, an amino acid with dissimilar properties. This amino acid position is conserved. In addition, this alteration is predicted to be tolerated by in silico analysis. Based on the available evidence, the clinical significance of this variant remains unclear.